The following is an entry in ClinVar:

ClinVar aggregate classification (germline): Uncertain significance (1 of 4 stars; one submission).

Conditions:
Idiopathic generalized epilepsy. Also called: EIG; Generalised epilepsy. Identifiers: MedGen C0270850, MONDO:0005579, OMIM 600669.

Allele frequency attached by ClinVar (database versions not stated): gnomAD exomes below 0.00001 and 0.00001; ExAC 0.00001; TOPMed 0.00001; gnomAD 0.00002.
gnomAD v4.1: 6 of 1,613,940 alleles (0.00037%); highest among the groups gnomAD compares: African/African-American, 0.004%; no homozygotes.

Submission:

Labcorp Genetics (formerly Invitae), Labcorp
Classification: Uncertain significance for Idiopathic generalized epilepsy. Last evaluated: 2018-09-13. Review status: criteria provided, single submitter. Criteria: Invitae Variant Classification Sherloc (09022015). Collection method: clinical testing. Allele origin: germline.
Comment: Algorithms developed to predict the effect of missense changes on protein structure and function (SIFT, PolyPhen-2, Align-GVGD) all suggest that this variant is likely to be tolerated, but these predictions have not been confirmed by published functional studies and their clinical significance is uncertain. In summary, the available evidence is currently insufficient to determine the role of this variant in disease. Therefore, it has been classified as a Variant of Uncertain Significance. This variant has not been reported in the literature in individuals with RBFOX1-related disease. This variant is present in population databases (rs771438834, ExAC 0.01%). This sequence change replaces glutamic acid with glutamine at codon 128 of the RBFOX1 protein (p.Glu128Gln). The glutamic acid residue is highly conserved and there is a small physicochemical difference between glutamic acid and glutamine.

NM_018723.4(RBFOX1):c.322G>C (p.Glu108Gln)

Genes: RBFOX1 (RNA binding fox-1 homolog 1; plus strand), LOC126862278 (CDK7 strongly-dependent group 2 enhancer GRCh37_chr16:7629446-7630645; plus strand). Cytogenetic location: 16p13.3.
Variant type: single nucleotide variant.
Coding change: c.322G>C on transcript NM_018723.4 (MANE Select); coding-DNA position 322, G replaced by C.
Protein change: p.Glu108Gln; replaces glutamic acid 108 with glutamine.
Molecular consequence: missense variant.
Genome position (GRCh38, 1-based): chr16:7,579,828, G>C. VCF-style: chr16-7579828-G-C. GRCh37 (hg19) VCF-style: chr16-7629830-G-C.
Other names: c.322G>C, p.Glu108Gln (NM_001142333.2, NM_001142334.2, NM_001364800.2); c.451G>C, p.Glu151Gln (NM_001308117.1); c.382G>C, p.Glu128Gln (NM_145891.3, NM_145892.3, NM_145893.3); short protein forms E108Q, E151Q, E128Q.
Identifiers: ClinVar variation 666203 (VCV000666203.9), dbSNP rs771438834, ClinGen allele CA7891451.
Genomic context (GRCh38, chr16:7,579,828, plus strand): 5'-TTCTTTTAGCAGACAGATGACGCAGCACCGACGGATGGCCAGCCCCAGACACAACCTTCT[G>C]AAAACACGGAAAACAAGTCTCAGCCCAAGCGGCTGCATGTCTCCAATATCCCCTTCAGGT-3'
Protein context (NP_061193.2, residues 98-118): TDGQPQTQPS[Glu108Gln]NTENKSQPKR